The following is an entry in ClinVar:

NM_001851.6(COL9A1):c.1189G>A (p.Gly397Arg)

Gene: COL9A1 (collagen type IX alpha 1 chain; minus strand). Cytogenetic location: 6q13.
Variant type: single nucleotide variant.
Coding change: c.1189G>A on transcript NM_001851.6 (MANE Select); coding-DNA position 1189, G replaced by A.
Protein change: p.Gly397Arg; replaces glycine 397 with arginine.
Molecular consequence: missense variant. On other transcripts: non-coding transcript variant (1).
Genome position (GRCh38, 1-based): chr6:70,270,322, C>T on the plus strand (G>A on the coding strand, the complement: COL9A1 is on the minus strand). VCF-style: chr6-70270322-C-T. GRCh37 (hg19) VCF-style: chr6-70980025-C-T.
Other names: c.460G>A, p.Gly154Arg (NM_001377289.1, NM_001377290.1, NM_078485.4); short protein forms G154R, G397R.
Identifiers: ClinVar variation 2033671 (VCV002033671.1), dbSNP rs2483396979, ClinGen allele CA364681160.
Genomic context (GRCh38, chr6:70,270,322, plus strand): 5'-TTCAACCCTGACTCTCAGACACAAACAGAAATTCAAGCTGCAAATAACTTACTCTGGGTC[C>T]TGGGGGGCCAGGGGGGCCAGGTGGTCCTCTTCTCCCAGGGTCACCCTAAGTTATTTGAAA-3'
Protein context (NP_001842.3, residues 387-407): RGPPGPPGPP[Gly397Arg]PRGTIGFHDG

ClinVar aggregate classification (germline): Uncertain significance (1 of 4 stars; one submission).

Allele frequency attached by ClinVar (database versions not stated): gnomAD exomes below 0.00001.

Submission:

Labcorp Genetics (formerly Invitae), Labcorp
Classification: Uncertain significance. Last evaluated: 2022-08-09. Review status: criteria provided, single submitter. Criteria: Invitae Variant Classification Sherloc (09022015). Collection method: clinical testing. Allele origin: germline.
Comment: This sequence change replaces glycine, which is neutral and non-polar, with arginine, which is basic and polar, at codon 397 of the COL9A1 protein (p.Gly397Arg). This variant is not present in population databases (gnomAD no frequency). This variant has not been reported in the literature in individuals affected with COL9A1-related conditions. Advanced modeling of protein sequence and biophysical properties (such as structural, functional, and spatial information, amino acid conservation, physicochemical variation, residue mobility, and thermodynamic stability) performed at Invitae indicates that this missense variant is expected to disrupt COL9A1 protein function. In summary, the available evidence is currently insufficient to determine the role of this variant in disease. Therefore, it has been classified as a Variant of Uncertain Significance.